The following is an entry in ClinVar:

NM_001267550.2(TTN):c.98260dup (p.Ser32754fs)

Genes: TTN-AS1 (TTN antisense RNA 1; plus strand), TTN (titin; minus strand). Cytogenetic location: 2q31.2.
Variant type: Duplication.
Coding change: c.98260dup on transcript NM_001267550.2 (MANE Select); coding-DNA position 98260, one base duplicated (T; older notation c.98260dupT).
Protein change: p.Ser32754fs; shifts the reading frame from serine 32754.
Molecular consequence: frameshift variant. On other transcripts: non-coding transcript variant (1).
Genome position (GRCh38, 1-based): chr2:178,539,805, A duplicated on the plus strand (T on the coding strand, the reverse complement: TTN is on the minus strand). VCF-style (leftmost placement, unchanged base first): chr2-178539804-G-GA. GRCh37 (hg19) VCF-style: chr2-179404531-G-GA.
Other names: c.93337dup, p.Ser31113fs (NM_001256850.1); c.71065dup, p.Ser23689fs (NM_003319.4); c.90556dup, p.Ser30186fs (NM_133378.4); c.71440dup, p.Ser23814fs (NM_133432.3); c.71641dup, p.Ser23881fs (NM_133437.4); short protein forms S23689fs, S23814fs, S23881fs, S30186fs, S31113fs, S32754fs.
Identifiers: ClinVar variation 3756563 (VCV003756563.2).

ClinVar aggregate classification (germline): Likely pathogenic (1 of 4 stars; one submission).

Conditions:
Dilated cardiomyopathy 1G (CMD1G). Identifiers: Orphanet 154, MedGen C1858763, MONDO:0011400, OMIM 604145.
Autosomal recessive limb-girdle muscular dystrophy type 2J (LGMDR10). Also called: Limb-girdle muscular dystrophy, type 2J; MUSCULAR DYSTROPHY, LIMB-GIRDLE, AUTOSOMAL RECESSIVE 10. Identifiers: Orphanet 140922, MedGen C1837342, MONDO:0012127, OMIM 608807.

Submission:

Labcorp Genetics (formerly Invitae), Labcorp
Classification: Likely pathogenic for Dilated cardiomyopathy 1G; Autosomal recessive limb-girdle muscular dystrophy type 2J. Last evaluated: 2024-05-27. Review status: criteria provided, single submitter. Criteria: Invitae Variant Classification Sherloc (09022015). Collection method: clinical testing. Allele origin: germline.
Comment: This sequence change creates a premature translational stop signal (p.Ser32754Phefs*2) in the TTN gene. While this is not anticipated to result in nonsense mediated decay, it is expected to create a truncated TTN protein. This variant is not present in population databases (gnomAD no frequency). This variant has not been reported in the literature in individuals affected with TTN-related conditions. This variant is located in the A band of TTN (PMID: 25589632). Truncating variants in this region are significantly overrepresented in patients affected with dilated cardiomyopathy (PMID: 25589632). Truncating variants in this region have also been reported in individuals affected with autosomal recessive centronuclear myopathy (PMID: 23975875). In summary, the currently available evidence indicates that the variant is pathogenic, but additional data are needed to prove that conclusively. Therefore, this variant has been classified as Likely Pathogenic.

Literature cited by the submitters: PubMed 25589632; PubMed 23975875.